The following is an entry in ClinVar:

NM_019032.6(ADAMTSL4):c.2569G>A (p.Glu857Lys)

Gene: ADAMTSL4 (ADAMTS like 4; plus strand). Cytogenetic location: 1q21.2.
Variant type: single nucleotide variant.
Coding change: c.2569G>A on transcript NM_019032.6 (MANE Select); coding-DNA position 2569, G replaced by A.
Protein change: p.Glu857Lys; replaces glutamic acid 857 with lysine.
Molecular consequence: missense variant.
Genome position (GRCh38, 1-based): chr1:150,558,971, G>A. VCF-style: chr1-150558971-G-A. GRCh37 (hg19) VCF-style: chr1-150531447-G-A.
Other names: c.2452G>A, p.Glu818Lys (NM_001288607.2); c.2638G>A, p.Glu880Lys (NM_001288608.2); c.2569G>A, p.Glu857Lys (NM_001378596.1); c.2569G>A (NM_019032.5, NM_019032.4); short protein forms E857K, E818K, E880K.
Identifiers: ClinVar variation 1444709 (VCV001444709.5), dbSNP rs201050879, ClinGen allele CA1078772.

ClinVar aggregate classification (germline): Uncertain significance. Review status: criteria provided, multiple submitters, no conflicts (2 of 4 stars). 3 submissions from 3 submitters: Uncertain significance (3). Last evaluated 2025-01-29.

Conditions:
ADAMTSL4-related disorder. Also called: ADAMTSL4-related condition; ADAMTSL4-Related Disorders.
Inborn genetic diseases. Identifiers: MedGen C0950123, MeSH D030342.

Allele frequency attached by ClinVar (database versions not stated): gnomAD 0.00013 and 0.00015; 1000 Genomes Project 30x 0.00016; TOPMed 0.00019; 1000 Genomes Project 0.00020.
gnomAD v4.1: 153 of 1,608,602 alleles (0.0095%); highest among the groups gnomAD compares: Admixed American, 0.035%; no homozygotes.

Submissions (3):

Labcorp Genetics (formerly Invitae), Labcorp
Classification: Uncertain significance. Last evaluated: 2025-01-29. Review status: criteria provided, single submitter. Criteria: Invitae Variant Classification Sherloc (09022015). Collection method: clinical testing. Allele origin: germline.
Comment: This sequence change replaces glutamic acid, which is acidic and polar, with lysine, which is basic and polar, at codon 857 of the ADAMTSL4 protein (p.Glu857Lys). This variant is present in population databases (rs201050879, gnomAD 0.04%). This variant has not been reported in the literature in individuals affected with ADAMTSL4-related conditions. ClinVar contains an entry for this variant (Variation ID: 1444709). Invitae Evidence Modeling of protein sequence and biophysical properties (such as structural, functional, and spatial information, amino acid conservation, physicochemical variation, residue mobility, and thermodynamic stability) indicates that this missense variant is not expected to disrupt ADAMTSL4 protein function with a negative predictive value of 80%. In summary, the available evidence is currently insufficient to determine the role of this variant in disease. Therefore, it has been classified as a Variant of Uncertain Significance.

Ambry Genetics
Classification: Uncertain significance for Inborn genetic diseases. Last evaluated: 2023-11-17. Review status: criteria provided, single submitter. Criteria: Ambry Variant Classification Scheme 2023. Collection method: clinical testing. Allele origin: germline.

PreventionGenetics, part of Exact Sciences
Classification: Uncertain significance for ADAMTSL4-related condition. Last evaluated: 2023-02-09. Review status: criteria provided, single submitter. Criteria: ACMG Guidelines, 2015. Collection method: clinical testing. Allele origin: germline.
Comment: The ADAMTSL4 c.2569G>A variant is predicted to result in the amino acid substitution p.Glu857Lys. To our knowledge, this variant has not been reported in the literature. This variant is reported in 0.036% of alleles in individuals of East Asian descent in gnomAD. At this time, the clinical significance of this variant is uncertain due to the absence of conclusive functional and genetic evidence.